The following is an entry in ClinVar:

NM_000256.3(MYBPC3):c.1404delG

Gene: MYBPC3 (myosin binding protein C3; minus strand). Cytogenetic location: 11p11.2.
Variant type: Deletion.
Coding change: c.1404delG on transcript NM_000256.3 (MANE Select); coding-DNA position 1404, one base deleted (G).
Genome position (GRCh38, 1-based): chr11:47,342,883, C deleted on the plus strand (G on the coding strand, the reverse complement: MYBPC3 is on the minus strand); the first of 4 consecutive C bases (chr11:47,342,883-47,342,886); deleting any one gives the same sequence. VCF-style (leftmost placement, unchanged base first): chr11-47342882-GC-G. GRCh37 (hg19) VCF-style: chr11-47364433-GC-G.
Other names: c.1404del, p.Gln469fs (LRG_386t1).
Identifiers: ClinVar variation 254153 (VCV000254153.11), dbSNP rs886037900, ClinGen allele CA10586354.

ClinVar aggregate classification (germline): Pathogenic/Likely pathogenic. Review status: criteria provided, multiple submitters, no conflicts (2 of 4 stars). 7 submissions from 7 submitters: Pathogenic (4); Likely pathogenic (1). 2 of the submissions do not count toward it. Last evaluated 2024-03-05.

Conditions:
Cardiovascular phenotype. Identifiers: MedGen CN230736.
Isolated Noncompaction of the Ventricular Myocardium. Identifiers: MedGen C2717907, MeSH D056830.
Hypertrophic cardiomyopathy 4. Also called: Familial hypertrophic cardiomyopathy 4. Identifiers: MedGen C1861862, MONDO:0007268, OMIM 115197.
Hypertrophic cardiomyopathy. Also called: HYPERTROPHIC MYOCARDIOPATHY. Identifiers: Orphanet 217569, MedGen C0007194, MeSH D002312, MONDO:0005045, HP:0001639.

Submissions (7):

Ambry Genetics
Classification: Pathogenic for Cardiovascular phenotype. Last evaluated: 2024-03-05. Review status: criteria provided, single submitter. Criteria: Ambry Variant Classification Scheme 2023. Collection method: clinical testing. Allele origin: germline.
Comment: The c.1404delG pathogenic mutation, located in coding exon 16 of the MYBPC3 gene, results from a deletion of one nucleotide at nucleotide position 1404, causing a translational frameshift with a predicted alternate stop codon (p.Q469Sfs*19). This alteration has been reported in hypertrophic cardiomyopathy cohorts (Walsh R et al. Genet Med, 2017 Feb;19:192-203; Robyns T et al. Eur J Med Genet, 2020 Mar;63:103754; Bourfiss M et al. Circ Genom Precis Med, 2022 Dec;15:e003704). This variant is considered to be rare based on population cohorts in the Genome Aggregation Database (gnomAD). In addition to the clinical data presented in the literature, this alteration is expected to result in loss of function by premature protein truncation or nonsense-mediated mRNA decay. As such, this alteration is interpreted as a disease-causing mutation.

Loeys Lab, Universiteit Antwerpen
Classification: Pathogenic for Isolated Noncompaction of the Ventricular Myocardium. Last evaluated: 2021-02-26. Review status: criteria provided, single submitter. Criteria: ACMG Guidelines, 2015. Collection method: clinical testing. Allele origin: somatic. Affected: yes. Observed: 27 variant alleles, 27 heterozygotes.
Comment: This sequence change results in a frameshift variant in the MYBPC3 predicted to cause loss of normal protein function either through protein truncation or nonsense-mediated mRNA decay , which is a known mechanism for HCM (PVS1). This variant is absent from population databases such as GnomAD (PM2). This variant has not been reported in the literature. This variant is known in clinvar as pathogenic (PP5). In 8 families the variant co-segregated with cardiomyopathy (in total 27 individuals) PP1strong. In conclusion this variant was classified as a pathogenic variant according to ACMG-guidelines (PVS1; PM2;PP1strong;PP5).

GeneDx
Classification: Pathogenic. Last evaluated: 2019-09-26. Review status: criteria provided, single submitter. Criteria: GeneDx Variant Classification Process June 2021. Collection method: clinical testing. Allele origin: germline. Affected: yes.
Comment: Reported in ClinVar as pathogenic or likely pathogenic (ClinVar Variant ID# 254153; Landrum et al., 2016); Not observed in large population cohorts (Lek et al., 2016); Frameshift variant predicted to result in protein truncation or nonsense mediated decay in a gene for which loss-of-function is a known mechanism of disease; This variant is associated with the following publications: (PMID: 31513939, 27532257, 27476098)

Center for Human Genetics, University of Leuven
Classification: Pathogenic for Hypertrophic cardiomyopathy. Last evaluated: 2018-10-31. Review status: criteria provided, single submitter. Criteria: ACMG Guidelines, 2015. Collection method: clinical testing. Allele origin: germline. Affected: yes.

Center for Medical Genetics Ghent, University of Ghent
Classification: Likely pathogenic for Hypertrophic cardiomyopathy 4. Last evaluated: 2016-01-01. Review status: criteria provided, single submitter. Criteria: ACMG Guidelines, 2015. Collection method: clinical testing. Allele origin: germline. Affected: yes.
Comment: This variant has not been identified in large population databases (Gnomad, 1000 Genomes, Go NL, Exome Variant Server) and is predicted to cause loss of normal protein function either through protein truncation or nonsense-mediated mRNA decay.

Clinical Genetics DNA and cytogenetics Diagnostics Lab, Erasmus MC, Erasmus Medical Center
Classification: Pathogenic. Review status: no assertion criteria provided. Collection method: clinical testing. Allele origin: germline. Affected: yes. Study: VKGL Data-share Consensus. Not counted in ClinVar's aggregate classification.

Genome Diagnostics Laboratory, University Medical Center Utrecht
Classification: Pathogenic. Review status: no assertion criteria provided. Collection method: clinical testing. Allele origin: germline. Affected: yes. Study: VKGL Data-share Consensus. Not counted in ClinVar's aggregate classification.

Literature cited by the submitters: PubMed 27532257 (cited by Ambry Genetics); PubMed 31513939 (cited by Ambry Genetics); PubMed 36264615 (cited by Ambry Genetics).